The following is an entry in ClinVar:

NM_014003.4(DHX38):c.246G>C (p.Trp82Cys)

Gene: DHX38 (DEAH-box helicase 38; plus strand). Cytogenetic location: 16q22.2.
Variant type: single nucleotide variant.
Coding change: c.246G>C on transcript NM_014003.4 (MANE Select); coding-DNA position 246, G replaced by C.
Protein change: p.Trp82Cys; replaces tryptophan 82 with cysteine.
Molecular consequence: missense variant.
Genome position (GRCh38, 1-based): chr16:72,096,403, G>C. VCF-style: chr16-72096403-G-C. GRCh37 (hg19) VCF-style: chr16-72130302-G-C.
Other names: short protein forms W82C.
Identifiers: ClinVar variation 1477500 (VCV001477500.6), dbSNP rs953728233, ClinGen allele CA283672310.

ClinVar aggregate classification (germline): Uncertain significance (1 of 4 stars; one submission).

Submission:

Labcorp Genetics (formerly Invitae), Labcorp
Classification: Uncertain significance. Last evaluated: 2022-11-01. Review status: criteria provided, single submitter. Criteria: Invitae Variant Classification Sherloc (09022015). Collection method: clinical testing. Allele origin: germline.
Comment: In summary, the available evidence is currently insufficient to determine the role of this variant in disease. Therefore, it has been classified as a Variant of Uncertain Significance. Algorithms developed to predict the effect of missense changes on protein structure and function (SIFT, PolyPhen-2, Align-GVGD) all suggest that this variant is likely to be tolerated. ClinVar contains an entry for this variant (Variation ID: 1477500). This variant has not been reported in the literature in individuals affected with DHX38-related conditions. This variant is not present in population databases (gnomAD no frequency). This sequence change replaces tryptophan, which is neutral and slightly polar, with cysteine, which is neutral and slightly polar, at codon 82 of the DHX38 protein (p.Trp82Cys).